The following is an entry in ClinVar:

ClinVar aggregate classification (germline): Uncertain significance (1 of 4 stars; one submission).

Submission:

Labcorp Genetics (formerly Invitae), Labcorp
Classification: Uncertain significance. Last evaluated: 2025-11-15. Review status: criteria provided, single submitter. Criteria: Invitae Variant Classification Sherloc (09022015). Collection method: clinical testing. Allele origin: germline.
Comment: This sequence change replaces histidine, which is basic and polar, with tyrosine, which is neutral and polar, at codon 250 of the MID1 protein (p.His250Tyr). This variant is not present in population databases (gnomAD no frequency). This variant has not been reported in the literature in individuals affected with MID1-related conditions. Invitae Evidence Modeling of protein sequence and biophysical properties (such as structural, functional, and spatial information, amino acid conservation, physicochemical variation, residue mobility, and thermodynamic stability) indicates that this missense variant is not expected to disrupt MID1 protein function with a negative predictive value of 80%. In summary, the available evidence is currently insufficient to determine the role of this variant in disease. Therefore, it has been classified as a Variant of Uncertain Significance.

NM_000381.4(MID1):c.748C>T (p.His250Tyr)

Gene: MID1 (midline 1; minus strand). Cytogenetic location: Xp22.2.
Variant type: single nucleotide variant.
Coding change: c.748C>T on transcript NM_000381.4 (MANE Select); coding-DNA position 748, C replaced by T.
Protein change: p.His250Tyr; replaces histidine 250 with tyrosine.
Molecular consequence: missense variant.
Genome position (GRCh38, 1-based): chrX:10,523,100, G>A on the plus strand (C>T on the coding strand, the complement: MID1 is on the minus strand). VCF-style: chrX-10523100-G-A. GRCh37 (hg19) VCF-style: chrX-10491140-G-A.
Other names: c.748C>T, p.His250Tyr (NM_001098624.2, NM_001193277.1, NM_001193278.1 and 3 more transcripts); c.634C>T, p.His212Tyr (NM_001193280.1, NM_033289.2); short protein forms H250Y, H212Y.
Identifiers: ClinVar variation 4699914 (VCV004699914.1).